The following is an entry in ClinVar:

NM_001448.3(GPC4):c.1550A>T (p.Asp517Val)

Gene: GPC4 (glypican 4; minus strand). Cytogenetic location: Xq26.2.
Variant type: single nucleotide variant.
Coding change: c.1550A>T on transcript NM_001448.3 (MANE Select); coding-DNA position 1550, A replaced by T.
Protein change: p.Asp517Val; replaces aspartic acid 517 with valine.
Molecular consequence: missense variant.
Genome position (GRCh38, 1-based): chrX:133,302,988, T>A on the plus strand (A>T on the coding strand, the complement: GPC4 is on the minus strand). VCF-style: chrX-133302988-T-A. GRCh37 (hg19) VCF-style: chrX-132437016-T-A.
Other names: short protein forms D517V.
Identifiers: ClinVar variation 3764592 (VCV003764592.1).

ClinVar aggregate classification (germline): Uncertain significance (1 of 4 stars; one submission).

Conditions:
Keipert syndrome (KPTS). Identifiers: Orphanet 2662, MedGen C1850627, MONDO:0009720, OMIM 301026.

Submission:

Daryl Scott Lab, Baylor College of Medicine
Classification: Uncertain significance for Keipert syndrome. Last evaluated: 2024-01-01. Review status: criteria provided, single submitter. Criteria: ACMG Guidelines, 2015. Collection method: clinical testing. Allele origin: maternal. Observed: 1 heterozygote.
Comment: PM2